The following is an entry in ClinVar:

NM_001080517.3(SETD5):c.3061C>T (p.Pro1021Ser)

Gene: SETD5 (SET domain containing 5; plus strand). Cytogenetic location: 3p25.3.
Variant type: single nucleotide variant.
Coding change: c.3061C>T on transcript NM_001080517.3 (MANE Select); coding-DNA position 3061, C replaced by T.
Protein change: p.Pro1021Ser; replaces proline 1021 with serine.
Molecular consequence: missense variant.
Genome position (GRCh38, 1-based): chr3:9,470,795, C>T. VCF-style: chr3-9470795-C-T. GRCh37 (hg19) VCF-style: chr3-9512479-C-T.
Other names: c.2767C>T, p.Pro923Ser (NM_001292043.2, NM_001349451.2); short protein forms P1021S, P923S.
Identifiers: ClinVar variation 2986924 (VCV002986924.3), dbSNP rs2045212877, ClinGen allele CA351681991.

ClinVar aggregate classification (germline): Uncertain significance (1 of 4 stars; one submission).

gnomAD v4.1: 3 of 1,613,664 alleles (0.00019%); highest among the groups gnomAD compares: Non-Finnish European, 0.00025%; no homozygotes.

Submission:

Labcorp Genetics (formerly Invitae), Labcorp
Classification: Uncertain significance. Last evaluated: 2023-12-11. Review status: criteria provided, single submitter. Criteria: Invitae Variant Classification Sherloc (09022015). Collection method: clinical testing. Allele origin: germline.
Comment: This sequence change replaces proline, which is neutral and non-polar, with serine, which is neutral and polar, at codon 1021 of the SETD5 protein (p.Pro1021Ser). This variant is not present in population databases (gnomAD no frequency). This variant has not been reported in the literature in individuals affected with SETD5-related conditions. Advanced modeling of protein sequence and biophysical properties (such as structural, functional, and spatial information, amino acid conservation, physicochemical variation, residue mobility, and thermodynamic stability) performed at Invitae indicates that this missense variant is not expected to disrupt SETD5 protein function with a negative predictive value of 80%. In summary, the available evidence is currently insufficient to determine the role of this variant in disease. Therefore, it has been classified as a Variant of Uncertain Significance.